The following is an entry in ClinVar:

NC_000016.10:g.(89779958_89782858)_(89805393_89808293)del

Gene: FANCA (FA complementation group A; minus strand). Cytogenetic location: 16q24.3.
Variant type: Deletion.
Identifiers: ClinVar variation 974293 (VCV000974293.1).

ClinVar aggregate classification (germline): Uncertain significance (0 of 4 stars; one submission).

Conditions:
Fanconi anemia complementation group A (FANCA). Also called: Fanconi anemia, group A; FANCA-Related Fanconi Anemia. Identifiers: Orphanet 84, MedGen C3469521, MONDO:0009215, OMIM 227650.

Submission:

Leiden Open Variation Database
Classification: Uncertain significance for Fanconi anemia complementation group A. Last evaluated: 2020-02-28. Review status: no assertion criteria provided. Collection method: curation. Allele origin: germline. Affected: yes.
Comment: Curator: Arleen D. Auerbach. Submitter to LOVD: Arleen D. Auerbach.